The following is an entry in ClinVar:

ClinVar aggregate classification (germline): Uncertain significance (1 of 4 stars; one submission).

Submission:

Labcorp Genetics (formerly Invitae), Labcorp
Classification: Uncertain significance. Last evaluated: 2025-04-22. Review status: criteria provided, single submitter. Criteria: Invitae Variant Classification Sherloc (09022015). Collection method: clinical testing. Allele origin: germline.
Comment: This sequence change replaces aspartic acid, which is acidic and polar, with histidine, which is basic and polar, at codon 1438 of the EPRS protein (p.Asp1438His). This variant is not present in population databases (gnomAD no frequency). This variant has not been reported in the literature in individuals affected with EPRS-related conditions. An algorithm developed to predict the effect of missense changes on protein structure and function (PolyPhen-2) suggests that this variant is likely to be tolerated. In summary, the available evidence is currently insufficient to determine the role of this variant in disease. Therefore, it has been classified as a Variant of Uncertain Significance.

NM_004446.3(EPRS1):c.4312G>C (p.Asp1438His)

Gene: EPRS1 (glutamyl-prolyl-tRNA synthetase 1; minus strand). Cytogenetic location: 1q41.
Variant type: single nucleotide variant.
Coding change: c.4312G>C on transcript NM_004446.3 (MANE Select); coding-DNA position 4312, G replaced by C.
Protein change: p.Asp1438His; replaces aspartic acid 1438 with histidine.
Molecular consequence: missense variant.
Genome position (GRCh38, 1-based): chr1:219,972,080, C>G on the plus strand (G>C on the coding strand, the complement: EPRS1 is on the minus strand). VCF-style: chr1-219972080-C-G. GRCh37 (hg19) VCF-style: chr1-220145422-C-G.
Other names: short protein forms D1438H.
Identifiers: ClinVar variation 4718105 (VCV004718105.1).